The following is an entry in ClinVar:

ClinVar aggregate classification (germline): Pathogenic (1 of 4 stars; one submission).

Conditions:
Familial thoracic aortic aneurysm and aortic dissection (TAAD). Also called: Thoracic aortic aneurysms and dissections. Identifiers: Orphanet 91387, MedGen C4707243, MONDO:0019625.
Marfan syndrome (MFS). Also called: MARFAN SYNDROME, TYPE I; Marfan syndrome type 1; Marfan's syndrome; Marfan syndrome, classic; FBN1-Related Marfan Syndrome. Identifiers: Orphanet 284963, Orphanet 558, MedGen C0024796, MONDO:0007947, OMIM 154700.

Submission:

Labcorp Genetics (formerly Invitae), Labcorp
Classification: Pathogenic for Marfan syndrome; Familial thoracic aortic aneurysm and aortic dissection. Last evaluated: 2023-05-30. Review status: criteria provided, single submitter. Criteria: Invitae Variant Classification Sherloc (09022015). Collection method: clinical testing. Allele origin: germline.
Comment: This sequence change creates a premature translational stop signal (p.Asn2208Lysfs*2) in the FBN1 gene. It is expected to result in an absent or disrupted protein product. Loss-of-function variants in FBN1 are known to be pathogenic (PMID: 17657824, 19293843). For these reasons, this variant has been classified as Pathogenic. ClinVar contains an entry for this variant (Variation ID: 2027744). This variant has not been reported in the literature in individuals affected with FBN1-related conditions. This variant is not present in population databases (gnomAD no frequency).

Literature cited by the submitters: PubMed 17657824; PubMed 19293843.

NM_000138.5(FBN1):c.6623dup (p.Asn2208fs)

Gene: FBN1 (fibrillin 1; minus strand). Cytogenetic location: 15q21.1.
Variant type: Duplication.
Coding change: c.6623dup on transcript NM_000138.5 (MANE Select); coding-DNA position 6623, one base duplicated (A; older notation c.6623dupA).
Protein change: p.Asn2208fs; shifts the reading frame from asparagine 2208.
Molecular consequence: frameshift variant.
Genome position (GRCh38, 1-based): chr15:48,432,982, T duplicated on the plus strand (A on the coding strand, the reverse complement: FBN1 is on the minus strand); the first of 3 consecutive T bases (chr15:48,432,982-48,432,984); duplicating any one gives the same sequence. VCF-style (leftmost placement, unchanged base first): chr15-48432981-A-AT. GRCh37 (hg19) VCF-style: chr15-48725178-A-AT.
Other names: c.6621dup, p.Asn2208Lysfs (NM_001406716.1); short protein forms N2208fs.
Identifiers: ClinVar variation 2027744 (VCV002027744.4), dbSNP rs2505425338, ClinGen allele CA2580089713.